The following is an entry in ClinVar:

NM_207122.2(EXT2):c.744-1G>A

Gene: EXT2 (exostosin glycosyltransferase 2; plus strand). Cytogenetic location: 11p11.2.
Variant type: single nucleotide variant.
Coding change: c.744-1G>A on transcript NM_207122.2 (MANE Select); the canonical splice acceptor site of the intron before coding-DNA position 744, G replaced by A.
Molecular consequence: splice acceptor variant.
Genome position (GRCh38, 1-based): chr11:44,124,788, G>A. VCF-style: chr11-44124788-G-A. GRCh37 (hg19) VCF-style: chr11-44146338-G-A.
Other names: c.744-1G>A (NM_001389630.1, NM_001178083.3, NM_001389628.1); c.843-1G>A (NM_000401.3).
Identifiers: ClinVar variation 938349 (VCV000938349.10), dbSNP rs1954372994, ClinGen allele CA380166593.

ClinVar aggregate classification (germline): Pathogenic (1 of 4 stars; one submission).

Conditions:
Exostoses, multiple, type 2 (EXT2). Also called: Hereditary Multiple Osteochondromatosis, Type II; EXOSTOSES, MULTIPLE, TYPE II. Identifiers: Orphanet 321, MedGen C1851413, MONDO:0007586, OMIM 133701.

Submission:

Labcorp Genetics (formerly Invitae), Labcorp
Classification: Pathogenic for Exostoses, multiple, type 2. Last evaluated: 2024-11-04. Review status: criteria provided, single submitter. Criteria: Invitae Variant Classification Sherloc (09022015). Collection method: clinical testing. Allele origin: germline.
Comment: This sequence change affects an acceptor splice site in intron 4 of the EXT2 gene. It is expected to disrupt RNA splicing. Variants that disrupt the donor or acceptor splice site typically lead to a loss of protein function (PMID: 16199547), and loss-of-function variants in EXT2 are known to be pathogenic (PMID: 10679937, 19810120). This variant is not present in population databases (gnomAD no frequency). Disruption of this splice site has been observed in individual(s) with multiple osteochondromas (PMID: 19344451, 28690282). ClinVar contains an entry for this variant (Variation ID: 938349). Algorithms developed to predict the effect of sequence changes on RNA splicing suggest that this variant may disrupt the consensus splice site. For these reasons, this variant has been classified as Pathogenic.

Literature cited by the submitters: PubMed 16199547; PubMed 10679937; PubMed 19810120; PubMed 19344451; PubMed 28690282.